The following is an entry in ClinVar:

ClinVar aggregate classification (germline): Uncertain significance (1 of 4 stars; one submission).

gnomAD v4.1: 2 of 1,614,184 alleles (0.00012%); highest among the groups gnomAD compares: East Asian, 0.0022%; no homozygotes.

Submission:

Dasa
Classification: Uncertain significance. Last evaluated: 2025-10-26. Review status: criteria provided, single submitter. Criteria: DASA Assertion Criteria. Collection method: clinical testing. Allele origin: germline.
Comment: NM_000742.4(CHRNA2):c.588C>A (p.Asn196Lys) is a missense variant that results in the substitution of asparagine with lysine. This variant is rare in population databases. The currently available literature and clinical evidence are not sufficient to establish a definitive association between this variant and the reported condition. Therefore, this variant is classified as a variant of uncertain significance.

NM_000742.4(CHRNA2):c.588C>A (p.Asn196Lys)

Gene: CHRNA2 (cholinergic receptor nicotinic alpha 2 subunit; minus strand). Cytogenetic location: 8p21.2.
Variant type: single nucleotide variant.
Coding change: c.588C>A on transcript NM_000742.4 (MANE Select); coding-DNA position 588, C replaced by A.
Protein change: p.Asn196Lys; replaces asparagine 196 with lysine.
Molecular consequence: missense variant. On other transcripts: 5 prime UTR variant (2).
Genome position (GRCh38, 1-based): chr8:27,463,855, G>T on the plus strand (C>A on the coding strand, the complement: CHRNA2 is on the minus strand). VCF-style: chr8-27463855-G-T. GRCh37 (hg19) VCF-style: chr8-27321372-G-T.
Other names: c.543C>A, p.Asn181Lys (NM_001282455.2); c.111C>A, p.Asn37Lys (NM_001347705.2, NM_001347706.2); c.-7C>A (NM_001347707.2, NM_001347708.2); short protein forms N181K, N196K, N37K.
Identifiers: ClinVar variation 4881403 (VCV004881403.2).
Genomic context (GRCh38, chr8:27,463,855, plus strand): 5'-CATCTGCTCCAGGTCGATCTTGGCCTTGTCATAAGTCCAGGAGCCAAACTTCATCTTGCA[G>T]TTCTGCTGGTCGAAGGGGAAGAAGGTGACGTCGATGCTGCAGGAGCTCTTGTAGATGGCC-3'
Protein context (NP_000733.2, residues 186-206): DVTFFPFDQQ[Asn196Lys]CKMKFGSWTY